The following is an entry in ClinVar:

NC_000009.11:g.(?_98229388)_(98231445_?)del

Gene: PTCH1 (patched 1; minus strand). Cytogenetic location: 9q22.32.
Variant type: Deletion.
Identifiers: ClinVar variation 1458897 (VCV001458897.9).

ClinVar aggregate classification (germline): Pathogenic (1 of 4 stars; one submission).

Conditions:
Gorlin syndrome. Also called: Nevoid Basal Cell Carcinoma Syndrome; Basal cell nevus syndrome. Identifiers: Orphanet 377, MedGen C0004779, MONDO:0007187.

Submission:

Labcorp Genetics (formerly Invitae), Labcorp
Classification: Pathogenic for Gorlin syndrome. Last evaluated: 2020-12-03. Review status: criteria provided, single submitter. Criteria: Invitae Variant Classification Sherloc (09022015). Collection method: clinical testing. Allele origin: germline.
Comment: For these reasons, this variant has been classified as Pathogenic. This variant has been observed in individual(s) with basal cell nevus syndrome or Gorlin syndrome (Invitae). This variant is a gross deletion of the genomic region encompassing exon(s) 14-15 of the PTCH1 gene. This deletion is out-of-frame, and is expected to create a premature translational stop signal and result in an absent or disrupted protein product. Loss-of-function variants in PTCH1 are known to be pathogenic (PMID: 16301862, 16419085).

Literature cited by the submitters: PubMed 16301862; PubMed 16419085.